The following is an entry in ClinVar:

NM_003873.7(NRP1):c.561G>A (p.Leu187=)

Genes: NRP1 (neuropilin 1; minus strand), LOC126860910 (P300/CBP strongly-dependent group 1 enhancer GRCh37_chr10:33552654-33553853; plus strand). Cytogenetic location: 10p11.22.
Variant type: single nucleotide variant.
Coding change: c.561G>A on transcript NM_003873.7 (MANE Select); coding-DNA position 561, G replaced by A.
Protein change: p.Leu187=; no amino-acid change (leucine 187 retained).
Molecular consequence: synonymous variant. On other transcripts: non-coding transcript variant (1).
Genome position (GRCh38, 1-based): chr10:33,263,743, C>T on the plus strand (G>A on the coding strand, the complement: NRP1 is on the minus strand). VCF-style: chr10-33263743-C-T. GRCh37 (hg19) VCF-style: chr10-33552671-C-T.
Other names: c.561G>A, p.Leu187= (NM_001024628.3, NM_001024629.3, NM_001244972.2 and 2 more transcripts).
Identifiers: ClinVar variation 4985490 (VCV004985490.1).

ClinVar aggregate classification (germline): Likely benign (1 of 4 stars; one submission).

Conditions:
NRP1-related disorder. Also called: NRP1-related condition.

Submission:

PreventionGenetics, part of Exact Sciences
Classification: Likely benign for NRP1-related condition. Last evaluated: 2025-04-24. Review status: criteria provided, single submitter. Criteria: ACMG Guidelines, 2015. Collection method: clinical testing. Allele origin: germline.
Comment: This variant is classified as likely benign based on ACMG/AMP sequence variant interpretation guidelines (Richards et al. 2015 PMID: 25741868, with internal and published modifications).